The following is an entry in ClinVar:

NM_001375765.1(GIGYF1):c.262-4_262-2del

Gene: GIGYF1 (GRB10 interacting GYF protein 1; minus strand). Cytogenetic location: 7q22.1.
Variant type: Deletion.
Coding change: c.262-4_262-2del on transcript NM_001375765.1 (MANE Select); 4 bases into the intron before coding-DNA position 262 through the canonical splice acceptor site of the intron before coding-DNA position 262, 3 bases deleted (TCA; older notation c.262-4_262-2delTCA).
Molecular consequence: splice acceptor variant.
Genome position (GRCh38, 1-based): chr7:100,687,618-100,687,620, TGA deleted on the plus strand (TCA on the coding strand, the reverse complement: GIGYF1 is on the minus strand). VCF-style (leftmost placement, unchanged base first): chr7-100687617-CTGA-C. GRCh37 (hg19) VCF-style: chr7-100285240-CTGA-C.
Other names: NM_022574.4:c.262-4_262-2delTCA; c.262-4_262-2del (NM_001375760.1, NM_001375764.1, NM_001375766.1 and 6 more transcripts).
Identifiers: ClinVar variation 3347303 (VCV003347303.1).

ClinVar aggregate classification (germline): Uncertain significance (0 of 4 stars; one submission).

Conditions:
GIGYF1-related disorder. Also called: GIGYF1-related condition.

Submission:

PreventionGenetics, part of Exact Sciences
Classification: Uncertain significance for GIGYF1-related condition. Last evaluated: 2024-05-02. Review status: no assertion criteria provided. Collection method: clinical testing. Allele origin: germline.
Comment: The GIGYF1 c.262-4_262-2delTCA variant is predicted to result in a deletion affecting a canonical splice site. To our knowledge, this variant has not been reported in the literature or in a large population database, indicating this variant is rare. At this time, the clinical significance of this variant is uncertain due to the absence of conclusive functional and genetic evidence.